The following is an entry in ClinVar:

ClinVar aggregate classification (germline): Conflicting classifications of pathogenicity. Review status: criteria provided, conflicting classifications (1 of 4 stars). 3 submissions from 3 submitters: Pathogenic (1); Uncertain significance (2). Last evaluated 2023-09-11.

Conditions:
CNGA1-related disorder. Also called: CNGA1-related condition.
Retinitis pigmentosa 49 (RP49). Identifiers: Orphanet 791, MedGen C3151059, MONDO:0013405, OMIM 613756.

Allele frequency attached by ClinVar (database versions not stated): gnomAD exomes below 0.00001; ExAC 0.00001; TOPMed 0.00001.
gnomAD v4.1: 20 of 1,614,206 alleles (0.0012%); highest among the groups gnomAD compares: Non-Finnish European, 0.0017%; no homozygotes.

Submissions (3):

Labcorp Genetics (formerly Invitae), Labcorp
Classification: Uncertain significance. Last evaluated: 2023-09-11. Review status: criteria provided, single submitter. Criteria: Invitae Variant Classification Sherloc (09022015). Collection method: clinical testing. Allele origin: germline.
Comment: In summary, the available evidence is currently insufficient to determine the role of this variant in disease. Therefore, it has been classified as a Variant of Uncertain Significance. An algorithm developed to predict the effect of missense changes on protein structure and function (PolyPhen-2) suggests that this variant is likely to be disruptive. ClinVar contains an entry for this variant (Variation ID: 866125). This variant is also known as p.Leu427Pro. This missense change has been observed in individual(s) with retinitis pigmentosa (PMID: 30543658; Invitae). In at least one individual the data is consistent with being in trans (on the opposite chromosome) from a pathogenic variant. This variant is present in population databases (rs748126956, gnomAD 0.0009%). This sequence change replaces leucine, which is neutral and non-polar, with proline, which is neutral and non-polar, at codon 358 of the CNGA1 protein (p.Leu358Pro).

Ocular Genomics Institute, Massachusetts Eye and Ear
Classification: Uncertain significance for Retinitis pigmentosa 49. Last evaluated: 2021-04-08. Review status: criteria provided, single submitter. Criteria: ACMG Guidelines, 2015. Collection method: research. Allele origin: germline. Affected: yes.
Comment: Through a review of available evidence we were able to apply the following criteria: PM2, PP3. Based on this evidence we have classified this variant as Variant of Uncertain Significance.

Blueprint Genetics
Classification: Pathogenic for CNGA1-related disorders. Last evaluated: 2020-02-06. Review status: criteria provided, single submitter. Criteria: ACMG Guidelines, 2015. Collection method: clinical testing. Allele origin: germline. Affected: yes. Observed: 3 variant alleles.

Literature cited by the submitters: PubMed 30543658 (cited by Labcorp Genetics (formerly Invitae), Labcorp).

NM_001379270.1(CNGA1):c.1061T>C (p.Leu354Pro)

Genes: CNGA1 (cyclic nucleotide gated channel subunit alpha 1; minus strand), LOC101927157 (uncharacterized LOC101927157; plus strand). Cytogenetic location: 4p12.
Variant type: single nucleotide variant.
Coding change: c.1061T>C on transcript NM_001379270.1 (MANE Select); coding-DNA position 1061, T replaced by C.
Protein change: p.Leu354Pro; replaces leucine 354 with proline.
Molecular consequence: missense variant.
Genome position (GRCh38, 1-based): chr4:47,937,421, A>G on the plus strand (T>C on the coding strand, the complement: CNGA1 is on the minus strand). VCF-style: chr4-47937421-A-G. GRCh37 (hg19) VCF-style: chr4-47939438-A-G.
Other names: c.1061T>C, p.Leu354Pro (NM_000087.5, NM_001142564.2); short protein forms L354P.
Identifiers: ClinVar variation 866125 (VCV000866125.13), dbSNP rs748126956, ClinGen allele CA2911139.
Genomic context (GRCh38, chr4:47,937,421, plus strand): 5'-ACAAAGACATACTCAGAATCCCTCACGGGAGGGGGTGTTTCACCAATGGTAGTCAAAGTC[A>G]GTGTAGACCAGTAAAGGCTGTATACGTATTTTCTAGCCAAACGGCCAAATTCAGGATCAT-3'
Protein context (NP_001366199.1, residues 344-364): KYVYSLYWST[Leu354Pro]TLTTIGETPP